The following is an entry in ClinVar:

NM_032444.4(SLX4):c.5188T>C (p.Ser1730Pro)

Gene: SLX4 (SLX4 structure-specific endonuclease subunit; minus strand). Cytogenetic location: 16p13.3.
Variant type: single nucleotide variant.
Coding change: c.5188T>C on transcript NM_032444.4 (MANE Select); coding-DNA position 5188, T replaced by C.
Protein change: p.Ser1730Pro; replaces serine 1730 with proline.
Molecular consequence: missense variant.
Genome position (GRCh38, 1-based): chr16:3,582,659, A>G on the plus strand (T>C on the coding strand, the complement: SLX4 is on the minus strand). VCF-style: chr16-3582659-A-G. GRCh37 (hg19) VCF-style: chr16-3632660-A-G.
Other names: c.5188T>C (LRG_503t1); short protein forms S1730P.
Identifiers: ClinVar variation 456332 (VCV000456332.11), dbSNP rs199838670, ClinGen allele CA7865380.

ClinVar aggregate classification (germline): Uncertain significance. Review status: criteria provided, multiple submitters, no conflicts (2 of 4 stars). 5 submissions from 5 submitters: Uncertain significance (5). Last evaluated 2025-12-08.

Conditions:
Fanconi anemia complementation group P. Also called: SLX4-Related Fanconi Anemia. Identifiers: Orphanet 84, MedGen C3469542, MONDO:0013499, OMIM 613951.
Fanconi anemia (FA). Also called: Fanconi's anemia. Identifiers: Orphanet 84, MedGen C0015625, MeSH D005199, MONDO:0019391.

Allele frequency attached by ClinVar (database versions not stated): gnomAD 0.00004 and 0.00005; TOPMed 0.00006; ESP Exome Variant Server 0.00015.

Submissions (5):

Labcorp Genetics (formerly Invitae), Labcorp
Classification: Uncertain significance for Fanconi anemia. Last evaluated: 2025-12-08. Review status: criteria provided, single submitter. Criteria: Invitae Variant Classification Sherloc (09022015). Collection method: clinical testing. Allele origin: germline.
Comment: This sequence change replaces serine, which is neutral and polar, with proline, which is neutral and non-polar, at codon 1730 of the SLX4 protein (p.Ser1730Pro). This variant is present in population databases (rs199838670, gnomAD 0.02%), including at least one homozygous and/or hemizygous individual. This missense change has been observed in individual(s) with aortic coarctation (PMID: 35885997). This variant is also known as 16_3582659_3582659_A/G. ClinVar contains an entry for this variant (Variation ID: 456332). An algorithm developed to predict the effect of missense changes on protein structure and function (PolyPhen-2) suggests that this variant is likely to be disruptive. In summary, the available evidence is currently insufficient to determine the role of this variant in disease. Therefore, it has been classified as a Variant of Uncertain Significance.

Fulgent Genetics
Classification: Uncertain significance for Fanconi anemia complementation group P. Last evaluated: 2024-05-16. Review status: criteria provided, single submitter. Criteria: ACMG Guidelines, 2015. Collection method: clinical testing. Allele origin: germline.

GeneDx
Classification: Uncertain significance. Last evaluated: 2022-07-17. Review status: criteria provided, single submitter. Criteria: GeneDx Variant Classification Process June 2021. Collection method: clinical testing. Allele origin: germline. Affected: yes.
Comment: In silico analysis supports that this missense variant has a deleterious effect on protein structure/function; This variant is associated with the following publications: (PMID: 31469826, 32546565)

Sema4
Classification: Uncertain significance for Fanconi anemia. Last evaluated: 2022-03-09. Review status: criteria provided, single submitter. Criteria: Sema4 Curation Guidelines. Collection method: curation. Allele origin: germline.
Comment: The SLX4 c.5188T>C (p.S1730P) variant has been reported in individuals with ovarian cancer as well as in controls (PMID: 32546565, 31469826). It was observed in 6/30606 chromosomes with one homozygote in the South Asian subpopulation of the large and broad cohorts of the Genome Aggregation Database (PMID: 32461654). The variant has been reported in ClinVar (Variation ID 456332). Functional studies have not been performed, and in silico predictions of the variant's effect on protein function are inconclusive. The evidence is insufficient to meet ACMG/AMP criteria for classifying the variant as benign or pathogenic. Thus, the clinical significance of this variant is currently uncertain.

Illumina Laboratory Services, Illumina
Classification: Uncertain significance for Fanconi anemia complementation group P. Last evaluated: 2018-01-13. Review status: criteria provided, single submitter. Criteria: ICSL Variant Classification Criteria 13 December 2019. Collection method: clinical testing. Allele origin: germline.

Literature cited by the submitters: PubMed 35885997 (cited by Labcorp Genetics (formerly Invitae), Labcorp); PubMed 32546565 (cited by Sema4); PubMed 31469826 (cited by Sema4).